The following is an entry in ClinVar:

ClinVar aggregate classification (germline): Uncertain significance. Review status: criteria provided, multiple submitters, no conflicts (2 of 4 stars). 2 submissions from 2 submitters: Uncertain significance (2). Last evaluated 2025-07-31.

Conditions:
Woodhouse-Sakati syndrome. Also called: EXTRAPYRAMIDAL DISORDER, PROGRESSIVE, WITH PRIMARY HYPOGONADISM, MENTAL RETARDATION, AND ALOPECIA; Hypogonadism, Alopecia, Diabetes Mellitus, Mental Retardation, and Extrapyramidal Syndrome; Hypogonadism, diabetes mellitus, alopecia, mental retardation and electrocardiographic abnormalities. Identifiers: Orphanet 3464, MedGen C0342286, MONDO:0009419, OMIM 241080.
Inborn genetic diseases. Identifiers: MedGen C0950123, MeSH D030342.

Allele frequency attached by ClinVar (database versions not stated): ExAC 0.00002.
gnomAD v4.1: 12 of 1,613,938 alleles (0.00074%); highest among the groups gnomAD compares: African/African-American, 0.0053%; 1 homozygote.

Submissions (2):

Ambry Genetics
Classification: Uncertain significance for Inborn genetic diseases. Last evaluated: 2025-07-31. Review status: criteria provided, single submitter. Criteria: Ambry Variant Classification Scheme 2023. Collection method: clinical testing. Allele origin: germline.

Labcorp Genetics (formerly Invitae), Labcorp
Classification: Uncertain significance for Woodhouse-Sakati syndrome. Last evaluated: 2022-06-14. Review status: criteria provided, single submitter. Criteria: Invitae Variant Classification Sherloc (09022015). Collection method: clinical testing. Allele origin: germline.
Comment: This sequence change replaces alanine, which is neutral and non-polar, with glycine, which is neutral and non-polar, at codon 255 of the DCAF17 protein (p.Ala255Gly). This variant is present in population databases (rs768194770, gnomAD no frequency). This variant has not been reported in the literature in individuals affected with DCAF17-related conditions. Algorithms developed to predict the effect of missense changes on protein structure and function are either unavailable or do not agree on the potential impact of this missense change (SIFT: "Tolerated"; PolyPhen-2: "Possibly Damaging"; Align-GVGD: "Class C0"). In summary, the available evidence is currently insufficient to determine the role of this variant in disease. Therefore, it has been classified as a Variant of Uncertain Significance.

NM_025000.4(DCAF17):c.764C>G (p.Ala255Gly)

Gene: DCAF17 (DDB1 and CUL4 associated factor 17; plus strand). Cytogenetic location: 2q31.1.
Variant type: single nucleotide variant.
Coding change: c.764C>G on transcript NM_025000.4 (MANE Select); coding-DNA position 764, C replaced by G.
Protein change: p.Ala255Gly; replaces alanine 255 with glycine.
Molecular consequence: missense variant.
Genome position (GRCh38, 1-based): chr2:171,458,403, C>G. VCF-style: chr2-171458403-C-G. GRCh37 (hg19) VCF-style: chr2-172314913-C-G.
Other names: c.764C>G, p.Ala255Gly (NM_001164821.2); c.764C>G (NM_025000.3); short protein forms A255G.
Identifiers: ClinVar variation 1983761 (VCV001983761.2), dbSNP rs768194770, ClinGen allele CA1964788.
Genomic context (GRCh38, chr2:171,458,403, plus strand): 5'-CCACCATTTTTGTTTTGTTTTGTTTTTAGTTCATGCAACAGAAACTTGACTTAGGGTGTG[C>G]ATGCAGATGGGGTGGGACTACTGGAACTGTAGGAGAGGCTCCTTTTGGCATTCCTTGTAA-3'
Protein context (NP_079276.2, residues 245-265): FMQQKLDLGC[Ala255Gly]CRWGGTTGTV